The following is an entry in ClinVar:

ClinVar aggregate classification (germline): Uncertain significance (1 of 4 stars; one submission).

Conditions:
Inborn genetic diseases. Identifiers: MedGen C0950123, MeSH D030342.

Submission:

Ambry Genetics
Classification: Uncertain significance for Inborn genetic diseases. Last evaluated: 2026-04-11. Review status: criteria provided, single submitter. Criteria: Ambry Variant Classification Scheme 2023. Collection method: clinical testing. Allele origin: germline.
Comment: The p.Q331H variant (also known as c.993G>C), located in coding exon 9 of the ANKRD26 gene, results from a G to C substitution at nucleotide position 993. The glutamine at codon 331 is replaced by histidine, an amino acid with highly similar properties. This amino acid position is conserved. In addition, this alteration is predicted to be tolerated by in silico analysis. Based on the available evidence, the clinical significance of this variant remains unclear.

NM_014915.3(ANKRD26):c.993G>C (p.Gln331His)

Gene: ANKRD26 (ankyrin repeat domain 26; minus strand). Cytogenetic location: 10p12.1.
Variant type: single nucleotide variant.
Coding change: c.993G>C on transcript NM_014915.3 (MANE Select); coding-DNA position 993, G replaced by C.
Protein change: p.Gln331His; replaces glutamine 331 with histidine.
Molecular consequence: missense variant.
Genome position (GRCh38, 1-based): chr10:27,077,422, C>G on the plus strand (G>C on the coding strand, the complement: ANKRD26 is on the minus strand). VCF-style: chr10-27077422-C-G. GRCh37 (hg19) VCF-style: chr10-27366351-C-G.
Other names: c.993G>C, p.Gln331His (NM_001256053.2); short protein forms Q331H.
Identifiers: ClinVar variation 4859265 (VCV004859265.1).